The following is an entry in ClinVar:

NM_022828.5(YTHDC2):c.3081T>G (p.Ile1027Met)

Gene: YTHDC2 (YTH N6-methyladenosine RNA binding protein C2; plus strand). Cytogenetic location: 5q22.2.
Variant type: single nucleotide variant.
Coding change: c.3081T>G on transcript NM_022828.5 (MANE Select); coding-DNA position 3081, T replaced by G.
Protein change: p.Ile1027Met; replaces isoleucine 1027 with methionine.
Molecular consequence: missense variant.
Genome position (GRCh38, 1-based): chr5:113,567,686, T>G. VCF-style: chr5-113567686-T-G. GRCh37 (hg19) VCF-style: chr5-112903383-T-G.
Other names: c.2595T>G, p.Ile865Met (NM_001345975.2); c.2181T>G, p.Ile727Met (NM_001345976.2); short protein forms I1027M, I727M, I865M.
Identifiers: ClinVar variation 3056194 (VCV003056194.2), dbSNP rs76945231, ClinGen allele CA3372348.

ClinVar aggregate classification (germline): Benign (0 of 4 stars; one submission).

Conditions:
YTHDC2-related disorder. Also called: YTHDC2-related condition.

Allele frequency attached by ClinVar (database versions not stated): 1000 Genomes Project 0.00200; 1000 Genomes Project 30x 0.00203; TOPMed 0.00533; gnomAD 0.00620; ESP Exome Variant Server 0.00700; ExAC 0.00763.
gnomAD v4.1: 14,377 of 1,606,346 alleles (0.9%); highest among the groups gnomAD compares: Non-Finnish European, 1.1%; 108 homozygotes.

Submission:

PreventionGenetics, part of Exact Sciences
Classification: Benign for YTHDC2-related condition. Last evaluated: 2019-04-30. Review status: no assertion criteria provided. Collection method: clinical testing. Allele origin: germline.
Comment: This variant is classified as benign based on ACMG/AMP sequence variant interpretation guidelines (Richards et al. 2015 PMID: 25741868, with internal and published modifications).